The following is an entry in ClinVar:

NM_007294.4(BRCA1):c.4899C>G (p.Ser1633Arg)

Gene: BRCA1 (BRCA1 DNA repair associated; minus strand). Cytogenetic location: 17q21.31.
Variant type: single nucleotide variant.
Coding change: c.4899C>G on transcript NM_007294.4 (MANE Select); coding-DNA position 4899, C replaced by G.
Protein change: p.Ser1633Arg; replaces serine 1633 with arginine.
Molecular consequence: missense variant. On other transcripts: non-coding transcript variant (1).
Genome position (GRCh38, 1-based): chr17:43,071,015, G>C on the plus strand (C>G on the coding strand, the complement: BRCA1 is on the minus strand). VCF-style: chr17-43071015-G-C. GRCh37 (hg19) VCF-style: chr17-41223032-G-C.
Other names: c.4686C>G, p.Ser1562Arg (NM_001407571.1, NM_001407894.1, NM_001407895.1 and 12 more transcripts); c.4965C>G, p.Ser1655Arg (NM_001407581.1, NM_001407582.1); c.4962C>G, p.Ser1654Arg (NM_001407583.1, NM_001407585.1, NM_001407587.1 and 1 more transcripts); c.4959C>G, p.Ser1653Arg (NM_001407590.1, NM_001407591.1); c.4899C>G, p.Ser1633Arg (NM_001407593.1, NM_001407594.1, NM_001407596.1 and 8 more transcripts); c.4896C>G, p.Ser1632Arg (NM_001407610.1, NM_001407611.1, NM_001407612.1 and 17 more transcripts); c.4893C>G, p.Ser1631Arg (NM_001407627.1, NM_001407628.1, NM_001407629.1 and 14 more transcripts); c.4890C>G, p.Ser1630Arg (NM_001407644.1, NM_001407645.1); and 70 more; short protein forms S1654R, S1586R, S1633R, S529R, S1504R, S1522R, S1563R, S1564R.
Identifiers: ClinVar variation 868382 (VCV000868382.3), dbSNP rs1567774741, ClinGen allele CA10591726.

Conditions:
Breast-ovarian cancer, familial, susceptibility to, 1 (BROVCA1). Also called: BRCA1 Hereditary Breast and Ovarian Cancer; OVARIAN CANCER, SUSCEPTIBILITY TO. Identifiers: Orphanet 145, MedGen C2676676, MONDO:0011450, OMIM 604370. Disease mechanism: loss of function.

Submission:

Brotman Baty Institute, University of Washington
No classification provided (evidence only). Condition: Breast-ovarian cancer, familial 1. Review status: no classification provided. Collection method: in vitro. Allele origin: not applicable. Functional consequence: function_uncertain_variant.
ClinVar note: "not provided" was previously submitted as the classification for the variant. However, the classification appeared to be based only on an observation of functional data so it was converted to no classification on 2025-07-30.